The following is an entry in ClinVar:

ClinVar aggregate classification (germline): Likely pathogenic (1 of 4 stars; one submission).

Conditions:
Niemann-Pick disease, type C1. Also called: NIEMANN-PICK DISEASE, VARIANT TYPE C1; NEUROVISCERAL STORAGE DISEASE WITH VERTICAL SUPRANUCLEAR OPHTHALMOPLEGIA; NIEMANN-PICK DISEASE WITH CHOLESTEROL ESTERIFICATION BLOCK; NIEMANN-PICK DISEASE WITHOUT SPHINGOMYELINASE DEFICIENCY; NIEMANN-PICK DISEASE, CHRONIC NEURONOPATHIC FORM. Identifiers: Orphanet 646, MedGen C3179455, MONDO:0009757, OMIM 257220.

Submission:

Natera, Inc.
Classification: Likely pathogenic for Niemann-Pick disease type C1. Last evaluated: 2025-07-06. Review status: criteria provided, single submitter. Criteria: Natera Variant Classification Schema (03/2026). Collection method: clinical testing. Allele origin: germline.
Comment: The c.2817dup variant in NPC1 is a frameshift variant predicted to shift the reading frame beginning at codon 940 and leads to a stop codon 25 codons downstream. This variant is expected to result in nonsense mediated decay, truncation, or a dysfunctional protein product. This variant is rare in the general population with a frequency below the threshold expected for the associated phenotype(s). Given the available evidence, this variant is classified as Likely Pathogenic.

NM_000271.5(NPC1):c.2817dup (p.Ser940fs)

Gene: NPC1 (NPC intracellular cholesterol transporter 1; minus strand). Cytogenetic location: 18q11.2.
Variant type: Duplication.
Coding change: c.2817dup on transcript NM_000271.5 (MANE Select); coding-DNA position 2817, one base duplicated (C; older notation c.2817dupC).
Protein change: p.Ser940fs; shifts the reading frame from serine 940.
Molecular consequence: frameshift variant.
Genome position (GRCh38, 1-based): chr18:23,539,449, G duplicated on the plus strand (C on the coding strand, the reverse complement: NPC1 is on the minus strand); the first of 5 consecutive G bases (chr18:23,539,449-23,539,453); duplicating any one gives the same sequence. VCF-style (leftmost placement, unchanged base first): chr18-23539448-A-AG. GRCh37 (hg19) VCF-style: chr18-21119412-A-AG.
Other names: short protein forms S940fs.
Identifiers: ClinVar variation 4818059 (VCV004818059.1).
Genomic context (GRCh38, chr18:23,539,448, plus strand): 5'-CCACTCGACAGCAAGACGACTGTGGCTTCACCCAGTCGAAATAATCGTCGATCCAGGACG[A>AG]GGGGGCGAAGCCTATTCGGGTACTAGAGAGGACAGACAGGGTTACTGACCTGCTCCACAG-3'